The following is an entry in ClinVar:

NM_014633.5(CTR9):c.2902G>A (p.Glu968Lys)

Gene: CTR9 (CTR9 component of Paf1/RNA polymerase II complex; plus strand). Cytogenetic location: 11p15.4.
Variant type: single nucleotide variant.
Coding change: c.2902G>A on transcript NM_014633.5 (MANE Select); coding-DNA position 2902, G replaced by A.
Protein change: p.Glu968Lys; replaces glutamic acid 968 with lysine.
Molecular consequence: missense variant.
Genome position (GRCh38, 1-based): chr11:10,775,223, G>A. VCF-style: chr11-10775223-G-A. GRCh37 (hg19) VCF-style: chr11-10796770-G-A.
Other names: c.2830G>A, p.Glu944Lys (NM_001346279.2); short protein forms E944K, E968K.
Identifiers: ClinVar variation 969777 (VCV000969777.9), dbSNP rs1863212830, ClinGen allele CA379677877.

ClinVar aggregate classification (germline): Uncertain significance (1 of 4 stars; one submission).

Allele frequency attached by ClinVar (database versions not stated): gnomAD exomes below 0.00001.
gnomAD v4.1: 1 of 1,613,830 alleles (0.000062%); highest among the groups gnomAD compares: East Asian, 0.0022%; no homozygotes.

Submission:

Labcorp Genetics (formerly Invitae), Labcorp
Classification: Uncertain significance. Last evaluated: 2023-07-17. Review status: criteria provided, single submitter. Criteria: Invitae Variant Classification Sherloc (09022015). Collection method: clinical testing. Allele origin: germline.
Comment: This sequence change replaces glutamic acid, which is acidic and polar, with lysine, which is basic and polar, at codon 968 of the CTR9 protein (p.Glu968Lys). In summary, the available evidence is currently insufficient to determine the role of this variant in disease. Therefore, it has been classified as a Variant of Uncertain Significance. An algorithm developed to predict the effect of missense changes on protein structure and function (PolyPhen-2) suggests that this variant is likely to be tolerated. ClinVar contains an entry for this variant (Variation ID: 969777). This variant has not been reported in the literature in individuals affected with CTR9-related conditions. This variant is not present in population databases (gnomAD no frequency).